The following is an entry in ClinVar:

NM_006946.4(SPTBN2):c.1510G>A (p.Ala504Thr)

Gene: SPTBN2 (spectrin beta, non-erythrocytic 2; minus strand). Cytogenetic location: 11q13.2.
Variant type: single nucleotide variant.
Coding change: c.1510G>A on transcript NM_006946.4 (MANE Select); coding-DNA position 1510, G replaced by A.
Protein change: p.Ala504Thr; replaces alanine 504 with threonine.
Molecular consequence: missense variant.
Genome position (GRCh38, 1-based): chr11:66,707,659, C>T on the plus strand (G>A on the coding strand, the complement: SPTBN2 is on the minus strand). VCF-style: chr11-66707659-C-T. GRCh37 (hg19) VCF-style: chr11-66475130-C-T.
Other names: c.1531G>A, p.Ala511Thr (NM_001411025.1); short protein forms A504T, A511T.
Identifiers: ClinVar variation 3371815 (VCV003371815.2).

ClinVar aggregate classification (germline): Uncertain significance. Review status: criteria provided, multiple submitters, no conflicts (2 of 4 stars). 2 submissions from 2 submitters: Uncertain significance (2). Last evaluated 2025-10-01.

gnomAD v4.1: 14 of 1,607,696 alleles (0.00087%); highest among the groups gnomAD compares: Admixed American, 0.005%; no homozygotes.

Submissions (2):

Labcorp Genetics (formerly Invitae), Labcorp
Classification: Uncertain significance. Last evaluated: 2025-10-01. Review status: criteria provided, single submitter. Criteria: Invitae Variant Classification Sherloc (09022015). Collection method: clinical testing. Allele origin: germline.
Comment: This sequence change replaces alanine, which is neutral and non-polar, with threonine, which is neutral and polar, at codon 504 of the SPTBN2 protein (p.Ala504Thr). This variant is present in population databases (rs573842493, gnomAD 0.009%). This variant has not been reported in the literature in individuals affected with SPTBN2-related conditions. ClinVar contains an entry for this variant (Variation ID: 3371815). Invitae Evidence Modeling of protein sequence and biophysical properties (such as structural, functional, and spatial information, amino acid conservation, physicochemical variation, residue mobility, and thermodynamic stability) indicates that this missense variant is not expected to disrupt SPTBN2 protein function with a negative predictive value of 80%. In summary, the available evidence is currently insufficient to determine the role of this variant in disease. Therefore, it has been classified as a Variant of Uncertain Significance.

GeneDx
Classification: Uncertain significance. Last evaluated: 2024-04-03. Review status: criteria provided, single submitter. Criteria: GeneDx Variant Classification Process June 2021. Collection method: clinical testing. Allele origin: germline. Affected: yes.
Comment: In silico analysis supports that this missense variant has a deleterious effect on protein structure/function; Has not been previously published as pathogenic or benign to our knowledge